The following is an entry in ClinVar:

ClinVar aggregate classification (germline): Uncertain significance (1 of 4 stars; one submission).

Allele frequency attached by ClinVar (database versions not stated): gnomAD exomes below 0.00001; TOPMed below 0.00001.
gnomAD v4.1: 2 of 1,614,210 alleles (0.00012%); highest among the groups gnomAD compares: Admixed American, 0.0017%; no homozygotes.

Submission:

Labcorp Genetics (formerly Invitae), Labcorp
Classification: Uncertain significance. Last evaluated: 2024-10-22. Review status: criteria provided, single submitter. Criteria: Invitae Variant Classification Sherloc (09022015). Collection method: clinical testing. Allele origin: germline.
Comment: This sequence change replaces glycine, which is neutral and non-polar, with aspartic acid, which is acidic and polar, at codon 221 of the SLC16A1 protein (p.Gly221Asp). This variant is not present in population databases (gnomAD no frequency). This variant has not been reported in the literature in individuals affected with SLC16A1-related conditions. ClinVar contains an entry for this variant (Variation ID: 2105019). An algorithm developed to predict the effect of missense changes on protein structure and function outputs the following: PolyPhen-2: "Benign". The aspartic acid amino acid residue is found in multiple mammalian species, which suggests that this missense change does not adversely affect protein function. In summary, the available evidence is currently insufficient to determine the role of this variant in disease. Therefore, it has been classified as a Variant of Uncertain Significance.

NM_003051.4(SLC16A1):c.662G>A (p.Gly221Asp)

Gene: SLC16A1 (solute carrier family 16 member 1; minus strand). Cytogenetic location: 1p13.2.
Variant type: single nucleotide variant.
Coding change: c.662G>A on transcript NM_003051.4 (MANE Select); coding-DNA position 662, G replaced by A.
Protein change: p.Gly221Asp; replaces glycine 221 with aspartic acid.
Molecular consequence: missense variant.
Genome position (GRCh38, 1-based): chr1:112,917,744, C>T on the plus strand (G>A on the coding strand, the complement: SLC16A1 is on the minus strand). VCF-style: chr1-112917744-C-T. GRCh37 (hg19) VCF-style: chr1-113460366-C-T.
Other names: c.662G>A, p.Gly221Asp (NM_001166496.2); short protein forms G221D.
Identifiers: ClinVar variation 2105019 (VCV002105019.4), dbSNP rs1648567297, ClinGen allele CA341828490.
Genomic context (GRCh38, chr1:112,917,744, plus strand): 5'-TCTTGTTTAGGGTGTCTTCCAATAAGATCTGTATTTGCATCATGCAGATCTTTTTTCACA[C>T]CAGATTTTCCAGCTTTCTCAAGGGATGCTTTAGACTTATCTTTCCCTGCCTTGGTTGGCT-3'
Protein context (NP_003042.3, residues 211-231): KASLEKAGKS[Gly221Asp]VKKDLHDANT